The following is an entry in ClinVar:

NM_005505.5(SCARB1):c.1330G>C (p.Ala444Pro)

Gene: SCARB1 (scavenger receptor class B member 1; minus strand). Cytogenetic location: 12q24.31.
Variant type: single nucleotide variant.
Coding change: c.1330G>C on transcript NM_005505.5 (MANE Select); coding-DNA position 1330, G replaced by C.
Protein change: p.Ala444Pro; replaces alanine 444 with proline.
Molecular consequence: missense variant. On other transcripts: non-coding transcript variant (9), intron variant (1).
Genome position (GRCh38, 1-based): chr12:124,786,428, C>G on the plus strand (G>C on the coding strand, the complement: SCARB1 is on the minus strand). VCF-style: chr12-124786428-C-G. GRCh37 (hg19) VCF-style: chr12-125270974-C-G.
Other names: c.1330G>C, p.Ala444Pro (NM_001082959.2, NM_001367981.1, NM_001367984.1 and 1 more transcripts); c.1207G>C, p.Ala403Pro (NM_001367982.1); c.1336G>C, p.Ala446Pro (NM_001367983.1); c.1306G>C, p.Ala436Pro (NM_001367985.1); c.1132G>C, p.Ala378Pro (NM_001367987.1); c.928G>C, p.Ala310Pro (NM_001367988.1); c.1317+13G>C (NM_001367986.1); short protein forms A310P, A378P, A403P, A436P, A444P, A446P.
Identifiers: ClinVar variation 1379032 (VCV001379032.6), dbSNP rs2135540474, ClinGen allele CA387210594.

ClinVar aggregate classification (germline): Uncertain significance (1 of 4 stars; one submission).

Submission:

Labcorp Genetics (formerly Invitae), Labcorp
Classification: Uncertain significance. Last evaluated: 2021-09-10. Review status: criteria provided, single submitter. Criteria: Invitae Variant Classification Sherloc (09022015). Collection method: clinical testing. Allele origin: germline.
Comment: This sequence change replaces alanine with proline at codon 444 of the SCARB1 protein (p.Ala444Pro). The alanine residue is weakly conserved and there is a small physicochemical difference between alanine and proline. This variant is not present in population databases (ExAC no frequency). In summary, the available evidence is currently insufficient to determine the role of this variant in disease. Therefore, it has been classified as a Variant of Uncertain Significance. Algorithms developed to predict the effect of missense changes on protein structure and function are either unavailable or do not agree on the potential impact of this missense change (SIFT: "Tolerated"; PolyPhen-2: "Possibly Damaging"; Align-GVGD: "Class C0"). This variant has not been reported in the literature in individuals affected with SCARB1-related conditions.